The following is an entry in ClinVar:

ClinVar aggregate classification (germline): Uncertain significance (1 of 4 stars; one submission).

Conditions:
Luscan-Lumish syndrome. Identifiers: Orphanet 597738, MedGen C4085873, MONDO:0014791, OMIM 616831.

Submission:

Labcorp Genetics (formerly Invitae), Labcorp
Classification: Uncertain significance for Luscan-Lumish syndrome. Last evaluated: 2019-09-09. Review status: criteria provided, single submitter. Criteria: Invitae Variant Classification Sherloc (09022015). Collection method: clinical testing. Allele origin: germline.
Comment: Algorithms developed to predict the effect of missense changes on protein structure and function are either unavailable or do not agree on the potential impact of this missense change (SIFT: "Tolerated"; PolyPhen-2: "Possibly Damaging"; Align-GVGD: "Class C0"). This sequence change replaces glutamic acid with lysine at codon 457 of the SETD2 protein (p.Glu457Lys). The glutamic acid residue is moderately conserved and there is a small physicochemical difference between glutamic acid and lysine. This variant is not present in population databases (ExAC no frequency). This variant has not been reported in the literature in individuals with SETD2-related conditions. In summary, the available evidence is currently insufficient to determine the role of this variant in disease. Therefore, it has been classified as a Variant of Uncertain Significance.

NM_014159.7(SETD2):c.1369G>A (p.Glu457Lys)

Gene: SETD2 (SET domain containing 2, histone lysine methyltransferase; minus strand). Cytogenetic location: 3p21.31.
Variant type: single nucleotide variant.
Coding change: c.1369G>A on transcript NM_014159.7 (MANE Select); coding-DNA position 1369, G replaced by A.
Protein change: p.Glu457Lys; replaces glutamic acid 457 with lysine.
Molecular consequence: missense variant. On other transcripts: non-coding transcript variant (1).
Genome position (GRCh38, 1-based): chr3:47,123,267, C>T on the plus strand (G>A on the coding strand, the complement: SETD2 is on the minus strand). VCF-style: chr3-47123267-C-T. GRCh37 (hg19) VCF-style: chr3-47164757-C-T.
Other names: c.1237G>A, p.Glu413Lys (NM_001349370.3); short protein forms E457K, E413K.
Identifiers: ClinVar variation 933963 (VCV000933963.6), dbSNP rs2043179824, ClinGen allele CA352530967.
Genomic context (GRCh38, chr3:47,123,267, plus strand): 5'-AATGAGATGAGGTACGCCTTGAGTATGTCTTCTTATACTCTTCTTCTGAGTCAGAACTCT[C>T]TCGTGCTCTGTTATCTGTGTATGGCCGAGAATAGCGCGTCCTCTCTCGATAAGGGGAGCT-3'
Protein context (NP_054878.5, residues 447-467): SRPYTDNRAR[Glu457Lys]SSDSEEEYKK